The following is an entry in ClinVar:

NM_013451.4(MYOF):c.4364G>A (p.Ser1455Asn)

Gene: MYOF (myoferlin; minus strand). Cytogenetic location: 10q23.33.
Variant type: single nucleotide variant.
Coding change: c.4364G>A on transcript NM_013451.4 (MANE Select); coding-DNA position 4364, G replaced by A.
Protein change: p.Ser1455Asn; replaces serine 1455 with asparagine.
Molecular consequence: missense variant.
Genome position (GRCh38, 1-based): chr10:93,337,888, C>T on the plus strand (G>A on the coding strand, the complement: MYOF is on the minus strand). VCF-style: chr10-93337888-C-T. GRCh37 (hg19) VCF-style: chr10-95097645-C-T.
Other names: c.4325G>A, p.Ser1442Asn (NM_133337.3); short protein forms S1442N, S1455N.
Identifiers: ClinVar variation 4555346 (VCV004555346.1).

ClinVar aggregate classification (germline): Uncertain significance (1 of 4 stars; one submission).

gnomAD v4.1: 7 of 1,613,946 alleles (0.00043%); highest among the groups gnomAD compares: Non-Finnish European, 0.00059%; no homozygotes.

Submission:

Ambry Genetics
Classification: Uncertain significance. Last evaluated: 2025-10-14. Review status: criteria provided, single submitter. Criteria: Ambry Variant Classification Scheme 2023. Collection method: clinical testing. Allele origin: germline.
Comment: The c.4364G>A (p.S1455N) alteration is located in exon 40 (coding exon 40) of the MYOF gene. This alteration results from a G to A substitution at nucleotide position 4364, causing the serine (S) at amino acid position 1455 to be replaced by an asparagine (N). Based on data from gnomAD, the A allele has an overall frequency of 0.006% (2/31386) total alleles studied. The highest observed frequency was 0.013% (2/15418) of European (non-Finnish) alleles. Based on insufficient or conflicting evidence, the clinical significance of this alteration remains unclear.